The following is an entry in ClinVar:

NM_020971.3(SPTBN4):c.4413G>A (p.Ala1471=)

Gene: SPTBN4 (spectrin beta, non-erythrocytic 4; plus strand). Cytogenetic location: 19q13.2.
Variant type: single nucleotide variant.
Coding change: c.4413G>A on transcript NM_020971.3 (MANE Select); coding-DNA position 4413, G replaced by A.
Protein change: p.Ala1471=; no amino-acid change (alanine 1471 retained).
Molecular consequence: synonymous variant.
Genome position (GRCh38, 1-based): chr19:40,549,242, G>A. VCF-style: chr19-40549242-G-A. GRCh37 (hg19) VCF-style: chr19-41055148-G-A.
Other names: c.441G>A, p.Ala147= (NM_025213.3).
Identifiers: ClinVar variation 2649900 (VCV002649900.24), dbSNP rs1297378556, ClinGen allele CA507500078.

ClinVar aggregate classification (germline): Likely benign (1 of 4 stars; one submission).

Allele frequency attached by ClinVar (database versions not stated): gnomAD 0.00001; gnomAD exomes 0.00001.
gnomAD v4.1: 5 of 1,547,606 alleles (0.00032%); highest among the groups gnomAD compares: South Asian, 0.006%; no homozygotes.

Submission:

CeGaT Center for Human Genetics Tuebingen
Classification: Likely benign. Last evaluated: 2023-07-01. Review status: criteria provided, single submitter. Criteria: CeGaT Center For Human Genetics Tuebingen Variant Classification Criteria Version 2. Collection method: clinical testing. Allele origin: germline. Affected: yes. Observed: 1 variant allele.
Comment: SPTBN4: BP4, BP7